The following is an entry in ClinVar:

ClinVar aggregate classification (germline): Likely benign (1 of 4 stars; one submission).

gnomAD v4.1: 2 of 1,569,094 alleles (0.00013%); highest among the groups gnomAD compares: Non-Finnish European, 0.00017%; no homozygotes.

Submission:

CeGaT Center for Human Genetics Tuebingen
Classification: Likely benign. Last evaluated: 2024-08-01. Review status: criteria provided, single submitter. Criteria: CeGaT Center For Human Genetics Tuebingen Variant Classification Criteria Version 2. Collection method: clinical testing. Allele origin: germline. Affected: yes. Observed: 1 variant allele.
Comment: CACNA1C: BP4, BP7

NM_000719.7(CACNA1C):c.2439A>G (p.Gly813=)

Gene: CACNA1C (calcium voltage-gated channel subunit alpha1 C; plus strand). Cytogenetic location: 12p13.33.
Variant type: single nucleotide variant.
Coding change: c.2439A>G on transcript NM_000719.7 (MANE Select); coding-DNA position 2439, A replaced by G.
Protein change: p.Gly813=; no amino-acid change (glycine 813 retained).
Molecular consequence: synonymous variant.
Genome position (GRCh38, 1-based): chr12:2,585,475, A>G. VCF-style: chr12-2585475-A-G. GRCh37 (hg19) VCF-style: chr12-2694641-A-G.
Other names: c.2439A>G, p.Gly813= (NM_001129827.2, NM_001129829.2, NM_001129830.3 and 18 more transcripts); c.2430A>G, p.Gly810= (NM_001129844.2).
Identifiers: ClinVar variation 3342046 (VCV003342046.16).